The following is an entry in ClinVar:

NM_002528.7(NTHL1):c.211G>A (p.Ala71Thr)

Gene: NTHL1 (nth like DNA glycosylase 1; minus strand). Cytogenetic location: 16p13.3.
Variant type: single nucleotide variant.
Coding change: c.211G>A on transcript NM_002528.7 (MANE Select); coding-DNA position 211, G replaced by A.
Protein change: p.Ala71Thr; replaces alanine 71 with threonine.
Molecular consequence: missense variant. On other transcripts: intron variant (1).
Genome position (GRCh38, 1-based): chr16:2,046,271, C>T on the plus strand (G>A on the coding strand, the complement: NTHL1 is on the minus strand). VCF-style: chr16-2046271-C-T. GRCh37 (hg19) VCF-style: chr16-2096272-C-T.
Other names: c.211G>A, p.Ala71Thr (NM_001318193.2); c.24+9G>A (NM_001318194.2); c.235G>A (NM_002528.5); short protein forms A71T.
Identifiers: ClinVar variation 2963533 (VCV002963533.4), dbSNP rs2150946645, ClinGen allele CA394297532.

ClinVar aggregate classification (germline): Uncertain significance. Review status: criteria provided, multiple submitters, no conflicts (2 of 4 stars). 2 submissions from 2 submitters: Uncertain significance (2). Last evaluated 2024-11-11.

Conditions:
Hereditary cancer-predisposing syndrome. Also called: Tumor predisposition; Hereditary neoplastic syndrome; Hereditary Cancer Syndrome; Neoplastic Syndromes, Hereditary. Identifiers: Orphanet 140162, MedGen C0027672, MeSH D009386, MONDO:0015356.

Submissions (2):

Ambry Genetics
Classification: Uncertain significance for Hereditary cancer-predisposing syndrome. Last evaluated: 2024-11-11. Review status: criteria provided, single submitter. Criteria: Ambry Variant Classification Scheme 2023. Collection method: clinical testing. Allele origin: germline.
Comment: The p.A79T variant (also known as c.235G>A), located in coding exon 2 of the NTHL1 gene, results from a G to A substitution at nucleotide position 235. The alanine at codon 79 is replaced by threonine, an amino acid with similar properties. This amino acid position is conserved. In addition, this alteration is predicted to be tolerated by in silico analysis. Based on the available evidence, the clinical significance of this variant remains unclear.

Labcorp Genetics (formerly Invitae), Labcorp
Classification: Uncertain significance. Last evaluated: 2023-10-19. Review status: criteria provided, single submitter. Criteria: Invitae Variant Classification Sherloc (09022015). Collection method: clinical testing. Allele origin: germline.
Comment: This sequence change replaces alanine, which is neutral and non-polar, with threonine, which is neutral and polar, at codon 79 of the NTHL1 protein (p.Ala79Thr). This variant is not present in population databases (gnomAD no frequency). This variant has not been reported in the literature in individuals affected with NTHL1-related conditions. Algorithms developed to predict the effect of missense changes on protein structure and function output the following: SIFT: "Not Available"; PolyPhen-2: "Benign"; Align-GVGD: "Not Available". The threonine amino acid residue is found in multiple mammalian species, which suggests that this missense change does not adversely affect protein function. In summary, the available evidence is currently insufficient to determine the role of this variant in disease. Therefore, it has been classified as a Variant of Uncertain Significance.